The following is an entry in ClinVar:

ClinVar aggregate classification (germline): Uncertain significance (1 of 4 stars; one submission).

Conditions:
Hereditary cancer-predisposing syndrome. Also called: Neoplastic Syndromes, Hereditary; Tumor predisposition; Hereditary neoplastic syndrome; Hereditary Cancer Syndrome. Identifiers: Orphanet 140162, MedGen C0027672, MeSH D009386, MONDO:0015356.

Submission:

Ambry Genetics
Classification: Uncertain significance for Hereditary cancer-predisposing syndrome. Last evaluated: 2023-11-25. Review status: criteria provided, single submitter. Criteria: Ambry Variant Classification Scheme 2023. Collection method: clinical testing. Allele origin: germline.
Comment: The p.A1173P variant (also known as c.3517G>C), located in coding exon 13 of the PALB2 gene, results from a G to C substitution at nucleotide position 3517. The alanine at codon 1173 is replaced by proline, an amino acid with highly similar properties. This amino acid position is conserved. In addition, the in silico prediction for this alteration is inconclusive. Since supporting evidence is limited at this time, the clinical significance of this alteration remains unclear.

NM_024675.4(PALB2):c.3517G>C (p.Ala1173Pro)

Gene: PALB2 (partner and localizer of BRCA2; minus strand). Cytogenetic location: 16p12.2.
Variant type: single nucleotide variant.
Coding change: c.3517G>C on transcript NM_024675.4 (MANE Select); coding-DNA position 3517, G replaced by C.
Protein change: p.Ala1173Pro; replaces alanine 1173 with proline.
Molecular consequence: missense variant. On other transcripts: 3 prime UTR variant (5).
Genome position (GRCh38, 1-based): chr16:23,603,503, C>G on the plus strand (G>C on the coding strand, the complement: PALB2 is on the minus strand). VCF-style: chr16-23603503-C-G. GRCh37 (hg19) VCF-style: chr16-23614824-C-G.
Other names: c.3457G>C, p.Ala1153Pro (NM_001407296.1); c.3445G>C, p.Ala1149Pro (NM_001407297.1); c.3355G>C, p.Ala1119Pro (NM_001407298.1); c.3280G>C, p.Ala1094Pro (NM_001407299.1); c.3238G>C, p.Ala1080Pro (NM_001407300.1); c.*152G>C (NM_001407301.1, NM_001407302.1, NM_001407310.1 and 2 more transcripts); c.2632G>C, p.Ala878Pro (NM_001407304.1, NM_001407305.1, NM_001407306.1); c.2470G>C, p.Ala824Pro (NM_001407307.1); and 3 more; short protein forms A1080P, A1094P, A1119P, A1149P, A1153P, A1173P, A351P, A577P.
Identifiers: ClinVar variation 3228034 (VCV003228034.1), dbSNP rs1555457844, ClinGen allele CA395137852.